The following is an entry in ClinVar:

ClinVar aggregate classification (germline): Benign. Review status: criteria provided, multiple submitters, no conflicts (2 of 4 stars). 11 submissions from 11 submitters: Benign (9). 2 of the submissions do not count toward it. Last evaluated 2026-03-04.

Conditions:
Hereditary cancer-predisposing syndrome. Also called: Neoplastic Syndromes, Hereditary; Hereditary Cancer Syndrome; Tumor predisposition; Hereditary neoplastic syndrome. Identifiers: Orphanet 140162, MedGen C0027672, MeSH D009386, MONDO:0015356.
Familial multiple polyposis syndrome (FAP). Also called: Familial Adenomatous Polyposis (FAP); Familial polyposis; Classic familial adenomatous polyposis; Familial adenomatous polyposis; Familial intestinal polyposis. Identifiers: Orphanet 733, MedGen C0032580, MONDO:0021055. Disease mechanism: loss of function.
Familial adenomatous polyposis 1 (FAP1). Also called: FAMILIAL ADENOMATOUS POLYPOSIS 1, ATTENUATED; POLYPOSIS, ADENOMATOUS INTESTINAL. Identifiers: MedGen C2713442, MONDO:0021056, OMIM 175100. Disease mechanism: loss of function.

Allele frequency attached by ClinVar (database versions not stated): gnomAD exomes 0.00079 and 0.00191; gnomAD 0.00853 and 0.00928; 1000 Genomes Project 30x 0.00656; TOPMed 0.00937; ExAC 0.00146; 1000 Genomes Project 0.00679.
gnomAD v4.1: 2,280 of 1,370,658 alleles (0.17%); highest among the groups gnomAD compares: African/African-American, 3%; 33 homozygotes.

Submissions (11):

Ambry Genetics
Classification: Benign for Hereditary cancer-predisposing syndrome. Last evaluated: 2026-03-04. Review status: criteria provided, single submitter. Criteria: Ambry Variant Classification Scheme 2023. Collection method: clinical testing. Allele origin: germline.

Labcorp Genetics (formerly Invitae), Labcorp
Classification: Benign for Familial adenomatous polyposis 1. Last evaluated: 2026-02-04. Review status: criteria provided, single submitter. Criteria: Invitae Variant Classification Sherloc (09022015). Collection method: clinical testing. Allele origin: germline.

ARUP Laboratories, Molecular Genetics and Genomics, ARUP Laboratories
Classification: Benign. Last evaluated: 2025-05-01. Review status: criteria provided, single submitter. Criteria: ARUP Molecular Germline Variant Investigation Process 2024. Collection method: clinical testing. Allele origin: germline.

Center for Genomic Medicine, Rigshospitalet, Copenhagen University Hospital
Classification: Benign. Last evaluated: 2025-03-04. Review status: criteria provided, single submitter. Criteria: ACMG Guidelines, 2015. Collection method: clinical testing. Allele origin: germline.

Blueprint Genetics
Classification: Benign. Last evaluated: 2024-11-25. Review status: criteria provided, single submitter. Criteria: ACMG Guidelines, 2015. Collection method: clinical testing. Allele origin: germline.

PreventionGenetics, part of Exact Sciences
Classification: Benign. Last evaluated: 2017-02-02. Review status: criteria provided, single submitter. Criteria: ACMG Guidelines, 2015. Collection method: clinical testing. Allele origin: germline.

Vantari Genetics
Classification: Benign for Hereditary cancer-predisposing syndrome. Last evaluated: 2016-02-04. Review status: criteria provided, single submitter. Criteria: ACMG Guidelines, 2015. Collection method: clinical testing. Allele origin: germline.

Genomic Diagnostic Laboratory, Division of Genomic Diagnostics, Children's Hospital of Philadelphia
Classification: Benign for Adenomatous polyposis coli. Last evaluated: 2015-10-13. Review status: criteria provided, single submitter. Criteria: DGD Variant Analysis Guidelines. Collection method: clinical testing. Allele origin: unknown.

GeneDx
Classification: Benign. Last evaluated: 2013-12-31. Review status: criteria provided, single submitter. Criteria: GeneDx Variant Classification (06012015). Collection method: clinical testing. Allele origin: germline. Affected: yes.
Comment: This variant is considered likely benign or benign based on one or more of the following criteria: it is a conservative change, it occurs at a poorly conserved position in the protein, it is predicted to be benign by multiple in silico algorithms, and/or has population frequency not consistent with disease.

Counsyl
Classification: Benign for Familial adenomatous polyposis 1. Last evaluated: 2016-02-10. Review status: no assertion criteria provided. Collection method: clinical testing. Allele origin: unknown. Not counted in ClinVar's aggregate classification.

ITMI
No classification provided. Condition: AllHighlyPenetrant. Last evaluated: 2013-09-19. Review status: no classification provided. Collection method: reference population. Allele origin: germline. Not counted in ClinVar's aggregate classification.
Comment: Please see associated publication for description of ethnicities

Literature cited by the submitters: PubMed 24728327 (cited by Counsyl and ITMI).

NM_001127511.3(APC):c.78C>A (p.Ser26Arg)

Gene: APC (APC regulator of Wnt signaling pathway; plus strand). Cytogenetic location: 5q22.2.
Variant type: single nucleotide variant.
Coding change: c.78C>A on transcript NM_001127511.3; coding-DNA position 78, C replaced by A.
Protein change: p.Ser26Arg; replaces serine 26 with arginine.
Molecular consequence: missense variant. On other transcripts: 5 prime UTR variant (8), non-coding transcript variant (1), intron variant (5).
Genome position (GRCh38, 1-based): chr5:112,707,795, C>A. VCF-style: chr5-112707795-C-A. GRCh37 (hg19) VCF-style: chr5-112043492-C-A.
Other names: p.S26R:AGC>AGA; c.-106C>A (NM_001354895.2, NM_001407447.1, NM_001407452.1 and 3 more transcripts); c.78C>A, p.Ser26Arg (NM_001354897.2, NM_001354902.2, NM_001407446.1); c.-1141C>A (NM_001407470.1, NM_001407472.1); c.-19+146C>A (NM_001407448.1, NM_001407450.1, NM_001407457.1 and 1 more transcripts); c.-43+146C>A (NM_001407453.1); short protein forms S26R.
Identifiers: ClinVar variation 133505 (VCV000133505.33), dbSNP rs113782655, ClinGen allele CA025425.